The following is an entry in ClinVar:

ClinVar aggregate classification (germline): Pathogenic (1 of 4 stars; one submission).

Conditions:
Ehlers-Danlos syndrome due to tenascin-X deficiency (EDSCLL1). Also called: Ehlers-Danlos syndrome, classic-like, 1; EHLERS-DANLOS SYNDROME, CLASSIC-LIKE; TNXB-Related Classical-Like Ehlers-Danlos Syndrome; EDS DUE TO TNX DEFICIENCY; TNX DEFICIENCY. Identifiers: Orphanet 230839, MedGen C1848029, MONDO:0011670, OMIM 606408.

Submission:

Myriad Genetics, Inc.
Classification: Pathogenic for Ehlers-Danlos syndrome due to tenascin-X deficiency. Last evaluated: 2024-12-10. Review status: criteria provided, single submitter. Criteria: Myriad Autosomal Dominant, Autosomal Recessive and X-Linked Classification Criteria (2023). Collection method: clinical testing. Allele origin: unknown.
Comment: NM_019105.6(TNXB):c.9381C>G(Y3127*) is expected to be pathogenic in the context of classical-like Ehlers-Danlos syndrome, TNXB-related. This variant is predicted to lead to an abnormal or absent protein product due to the creation of a premature termination codon in TNXB, a gene where loss-of-function variants are known to be pathogenic. Please note: this variant was assessed in the context of healthy population screening.

NM_001365276.2(TNXB):c.9387C>G (p.Tyr3129Ter)

Gene: TNXB (tenascin XB; minus strand). Cytogenetic location: 6p21.33.
Variant type: single nucleotide variant.
Coding change: c.9387C>G on transcript NM_001365276.2 (MANE Select); coding-DNA position 9387, C replaced by G.
Protein change: p.Tyr3129Ter; replaces tyrosine 3129 with a stop codon.
Molecular consequence: nonsense.
Genome position (GRCh38, 1-based): chr6:32,050,050, G>C on the plus strand (C>G on the coding strand, the complement: TNXB is on the minus strand). VCF-style: chr6-32050050-G-C. GRCh37 (hg19) VCF-style: chr6-32017827-G-C.
Other names: c.10128C>G, p.Tyr3376Ter (NM_001428335.1); c.9381C>G, p.Tyr3127Ter (NM_019105.8); short protein forms Y3127*, Y3129*, Y3376*.
Identifiers: ClinVar variation 5013847 (VCV005013847.1).